The following is an entry in ClinVar:

ClinVar aggregate classification (germline): Uncertain significance (1 of 4 stars; one submission).

gnomAD v4.1: 45 of 1,614,116 alleles (0.0028%); highest among the groups gnomAD compares: South Asian, 0.047%; 3 homozygotes.

Submission:

GeneDx
Classification: Uncertain significance. Last evaluated: 2023-10-23. Review status: criteria provided, single submitter. Criteria: GeneDx Variant Classification Process June 2021. Collection method: clinical testing. Allele origin: germline. Affected: yes.
Comment: In silico analysis supports that this missense variant has a deleterious effect on protein structure/function; Has not been previously published as pathogenic or benign to our knowledge; This variant is associated with the following publications: (PMID: 25817015)

NM_001605.3(AARS1):c.2111C>T (p.Ser704Phe)

Gene: AARS1 (alanyl-tRNA synthetase 1; minus strand). Cytogenetic location: 16q22.1.
Variant type: single nucleotide variant.
Coding change: c.2111C>T on transcript NM_001605.3 (MANE Select); coding-DNA position 2111, C replaced by T.
Protein change: p.Ser704Phe; replaces serine 704 with phenylalanine.
Molecular consequence: missense variant.
Genome position (GRCh38, 1-based): chr16:70,258,099, G>A on the plus strand (C>T on the coding strand, the complement: AARS1 is on the minus strand). VCF-style: chr16-70258099-G-A. GRCh37 (hg19) VCF-style: chr16-70292002-G-A.
Other names: short protein forms S704F.
Identifiers: ClinVar variation 3363354 (VCV003363354.1).